The following is an entry in ClinVar:

NM_000059.4(BRCA2):c.9712A>T (p.Lys3238Ter)

Gene: BRCA2 (BRCA2 DNA repair associated; plus strand). Cytogenetic location: 13q13.1.
Variant type: single nucleotide variant.
Coding change: c.9712A>T on transcript NM_000059.4 (MANE Select); coding-DNA position 9712, A replaced by T.
Protein change: p.Lys3238Ter; replaces lysine 3238 with a stop codon.
Molecular consequence: nonsense. On other transcripts: non-coding transcript variant (1).
Genome position (GRCh38, 1-based): chr13:32,398,225, A>T. VCF-style: chr13-32398225-A-T. GRCh37 (hg19) VCF-style: chr13-32972362-A-T.
Other names: c.9616A>T, p.Lys3206Ter (NM_001406719.1); c.9661A>T, p.Lys3221Ter (NM_001406720.1); c.4780A>T, p.Lys1594Ter (NM_001406721.1); c.3295A>T, p.Lys1099Ter (NM_001406722.1); short protein forms K1099*, K1594*, K3206*, K3221*, K3238*.
Identifiers: ClinVar variation 3230217 (VCV003230217.3), dbSNP rs2137663102, ClinGen allele CA387765441.
Genomic context (GRCh38, chr13:32,398,225, plus strand): 5'-TCTTCTCCTAATTGTGAGATATATTATCAAAGTCCTTTATCACTTTGTATGGCCAAAAGG[A>T]AGTCTGTTTCCACACCTGTCTCAGCCCAGATGACTTCAAAGTCTTGTAAAGGGGAGAAAG-3'

ClinVar aggregate classification (germline): Pathogenic. Review status: criteria provided, multiple submitters, no conflicts (2 of 4 stars). 2 submissions from 2 submitters: Pathogenic (2). Last evaluated 2024-12-22.

Conditions:
Hereditary cancer-predisposing syndrome. Also called: Neoplastic Syndromes, Hereditary; Tumor predisposition; Hereditary neoplastic syndrome; Hereditary Cancer Syndrome. Identifiers: Orphanet 140162, MedGen C0027672, MeSH D009386, MONDO:0015356.
Hereditary breast ovarian cancer syndrome. Also called: Hereditary breast and ovarian cancer syndrome (HBOC); Breast and ovarian cancer; Hereditary breast and/or ovarian cancer syndrome; BRCA1- and BRCA2-Associated Hereditary Breast and Ovarian Cancer; Hereditary breast and ovarian cancer syndrome; Hereditary breast and ovarian cancer. Identifiers: Orphanet 145, MedGen C0677776, MeSH D061325, MONDO:0003582. Disease mechanism: loss of function.

Allele frequency attached by ClinVar (database versions not stated): gnomAD exomes below 0.00001.
gnomAD v4.1: 1 of 1,613,454 alleles (0.000062%); highest among the groups gnomAD compares: Non-Finnish European, 0.000085%; no homozygotes.

Submissions (2):

Labcorp Genetics (formerly Invitae), Labcorp
Classification: Pathogenic for Hereditary breast ovarian cancer syndrome. Last evaluated: 2024-12-22. Review status: criteria provided, single submitter. Criteria: Invitae Variant Classification Sherloc (09022015). Collection method: clinical testing. Allele origin: germline.
Comment: This sequence change creates a premature translational stop signal (p.Lys3238*) in the BRCA2 gene. While this is not anticipated to result in nonsense mediated decay, it is expected to disrupt the last 181 amino acid(s) of the BRCA2 protein. This variant is not present in population databases (gnomAD no frequency). This variant has not been reported in the literature in individuals affected with BRCA2-related conditions. ClinVar contains an entry for this variant (Variation ID: 3230217). Algorithms developed to predict the effect of sequence changes on RNA splicing suggest that this variant may disrupt the consensus splice site. This variant disrupts a region of the BRCA2 protein in which other variant(s) (p.Tyr3308*) have been determined to be pathogenic (PMID: 17026620, 18593900, 18607349, 22711857). This suggests that this is a clinically significant region of the protein, and that variants that disrupt it are likely to be disease-causing. For these reasons, this variant has been classified as Pathogenic.

Ambry Genetics
Classification: Pathogenic for Hereditary cancer-predisposing syndrome. Last evaluated: 2023-12-09. Review status: criteria provided, single submitter. Criteria: Ambry Variant Classification Scheme 2023. Collection method: clinical testing. Allele origin: germline.
Comment: The p.K3238* pathogenic mutation (also known as c.9712A>T), located in coding exon 26 of the BRCA2 gene, results from an A to T substitution at nucleotide position 9712. This changes the amino acid from a lysine to a stop codon within coding exon 26. This variant is considered to be rare based on population cohorts in the Genome Aggregation Database (gnomAD). This alteration is expected to result in loss of function by premature protein truncation. As such, this alteration is interpreted as a disease-causing mutation.

Literature cited by the submitters: PubMed 17026620 (cited by Labcorp Genetics (formerly Invitae), Labcorp); PubMed 18593900 (cited by Labcorp Genetics (formerly Invitae), Labcorp); PubMed 18607349 (cited by Labcorp Genetics (formerly Invitae), Labcorp); PubMed 22711857 (cited by Labcorp Genetics (formerly Invitae), Labcorp).